The following is an entry in ClinVar:

NM_018972.4(GDAP1):c.395del (p.Pro132fs)

Gene: GDAP1 (ganglioside induced differentiation associated protein 1; plus strand). Cytogenetic location: 8q21.11.
Variant type: Deletion.
Coding change: c.395del on transcript NM_018972.4 (MANE Select); coding-DNA position 395, one base deleted (C; older notation c.395delC).
Protein change: p.Pro132fs; shifts the reading frame from proline 132.
Molecular consequence: frameshift variant. On other transcripts: intron variant (1).
Genome position (GRCh38, 1-based): chr8:74,360,221, C deleted; the last of 2 consecutive C bases (chr8:74,360,220-74,360,221); deleting either gives the same sequence. VCF-style (leftmost placement, unchanged base first): chr8-74360219-GC-G. GRCh37 (hg19) VCF-style: chr8-75272454-GC-G.
Other names: c.311-1663del (NM_001362930.2); c.191del, p.Pro64fs (NM_001040875.4); c.68del, p.Pro23fs (NM_001362929.2, NM_001362932.2); c.395del, p.Pro132fs (NM_001362931.2); short protein forms P64fs, P132fs, P23fs.
Identifiers: ClinVar variation 2724844 (VCV002724844.3), dbSNP rs2536741344, ClinGen allele CA2687668884.

ClinVar aggregate classification (germline): Pathogenic (1 of 4 stars; one submission).

Conditions:
Charcot-Marie-Tooth disease type 4A. Also called: Charcot-Marie-Tooth disease, demyelinating, autosomal recessive, type 4a. Identifiers: Orphanet 99948, MedGen C1859198, MONDO:0008961, OMIM 214400.

Submission:

Labcorp Genetics (formerly Invitae), Labcorp
Classification: Pathogenic for Charcot-Marie-Tooth disease type 4A. Last evaluated: 2025-05-13. Review status: criteria provided, single submitter. Criteria: Invitae Variant Classification Sherloc (09022015). Collection method: clinical testing. Allele origin: germline.
Comment: This sequence change creates a premature translational stop signal (p.Pro132Glnfs*15) in the GDAP1 gene. It is expected to result in an absent or disrupted protein product. Loss-of-function variants in GDAP1 are known to be pathogenic (PMID: 11743580). This variant is not present in population databases (gnomAD no frequency). This variant has not been reported in the literature in individuals affected with GDAP1-related conditions. ClinVar contains an entry for this variant (Variation ID: 2724844). For these reasons, this variant has been classified as Pathogenic.

Literature cited by the submitters: PubMed 11743580.